The following is an entry in ClinVar:

NM_000092.5(COL4A4):c.274G>T (p.Gly92Ter)

Gene: COL4A4 (collagen type IV alpha 4 chain; minus strand). Cytogenetic location: 2q36.3.
Variant type: single nucleotide variant.
Coding change: c.274G>T on transcript NM_000092.5 (MANE Select); coding-DNA position 274, G replaced by T.
Protein change: p.Gly92Ter; replaces glycine 92 with a stop codon.
Molecular consequence: nonsense.
Genome position (GRCh38, 1-based): chr2:227,121,067, C>A on the plus strand (G>T on the coding strand, the complement: COL4A4 is on the minus strand). VCF-style: chr2-227121067-C-A. GRCh37 (hg19) VCF-style: chr2-227985783-C-A.
Other names: short protein forms G92*.
Identifiers: ClinVar variation 984173 (VCV000984173.3), dbSNP rs2061755379, ClinGen allele CA350863321.

ClinVar aggregate classification (germline): Likely pathogenic (1 of 4 stars; one submission).

Conditions:
Autosomal recessive Alport syndrome (ATS2). Also called: ALPORT SYNDROME 2, AUTOSOMAL RECESSIVE; Alport syndrome type 2; COL4A4 Alport Syndrome and Thin Basement Membrane Nephropathy; COL4A3-Related Nephropathy. Identifiers: Orphanet 63, Orphanet 88919, MedGen C4746745, MONDO:0008762, OMIM 203780.

Allele frequency attached by ClinVar (database versions not stated): TOPMed below 0.00001.

Submission:

Myriad Genetics, Inc.
Classification: Likely pathogenic for Autosomal recessive Alport syndrome. Last evaluated: 2019-06-27. Review status: criteria provided, single submitter. Criteria: Myriad Women's Health Autosomal Recessive and X-Linked Classification Criteria (2019). Collection method: clinical testing. Allele origin: unknown.
Comment: NM_000092.4(COL4A4):c.274G>T(G92*) is expected to be pathogenic in the context of COL4A4-related Alport syndrome. This variant is predicted to lead to an abnormal or absent protein product due to the creation of a premature termination codon in COL4A4, a gene where loss-of-function variants are known to be pathogenic. Please note: this variant was assessed in the context of healthy population screening.